The following is an entry in ClinVar:

NM_005560.6(LAMA5):c.8121C>T (p.Asn2707=)

Gene: LAMA5 (laminin subunit alpha 5; minus strand). Cytogenetic location: 20q13.33.
Variant type: single nucleotide variant.
Coding change: c.8121C>T on transcript NM_005560.6 (MANE Select); coding-DNA position 8121, C replaced by T.
Protein change: p.Asn2707=; no amino-acid change (asparagine 2707 retained).
Molecular consequence: synonymous variant.
Genome position (GRCh38, 1-based): chr20:62,314,874, G>A on the plus strand (C>T on the coding strand, the complement: LAMA5 is on the minus strand). VCF-style: chr20-62314874-G-A. GRCh37 (hg19) VCF-style: chr20-60889930-G-A.
Other names: c.8121C>T (NM_005560.4).
Identifiers: ClinVar variation 2044193 (VCV002044193.8), dbSNP rs200998631, ClinGen allele CA9940874.
Genomic context (GRCh38, chr20:62,314,874, plus strand): 5'-CCGGGCCTGGGCAATGAGCTCTCGCACGCGGCCAATGCTGGCGGACAGGGCCAGGCTGGC[G>A]TTGTGCACCCCACGGTTCTCCAGGATGCTCAGCTTGGCCAGCAGCTGGGGCAGCGTCTTC-3'
Protein context (NP_005551.3, residues 2697-2717): LSILENRGVH[Asn2707=]ASLALSASIG

ClinVar aggregate classification (germline): Benign/Likely benign. Review status: criteria provided, multiple submitters, no conflicts (2 of 4 stars). 4 submissions from 4 submitters: Benign (1); Likely benign (2). 1 of the submissions does not count toward it. Last evaluated 2026-08-01.

Conditions:
LAMA5-related disorder. Also called: LAMA5-Related Disorders; LAMA5-related condition.

Allele frequency attached by ClinVar (database versions not stated): gnomAD 0.00009; gnomAD exomes 0.00035; 1000 Genomes Project 30x 0.00062; 1000 Genomes Project 0.00080; ExAC 0.00082.
gnomAD v4.1: 520 of 1,612,194 alleles (0.032%); highest among the groups gnomAD compares: South Asian, 0.52%; 2 homozygotes.

Submissions (4):

CeGaT Center for Human Genetics Tuebingen
Classification: Likely benign. Last evaluated: 2026-08-01. Review status: criteria provided, single submitter. Criteria: CeGaT Center For Human Genetics Tuebingen Variant Classification Criteria Version 2. Collection method: clinical testing. Allele origin: germline. Affected: yes. Observed: 1 variant allele.
Comment: LAMA5: BP4, BP7

Labcorp Genetics (formerly Invitae), Labcorp
Classification: Benign. Last evaluated: 2025-08-20. Review status: criteria provided, single submitter. Criteria: Invitae Variant Classification Sherloc (09022015). Collection method: clinical testing. Allele origin: germline.

Blueprint Genetics
Classification: Likely benign. Last evaluated: 2024-04-12. Review status: criteria provided, single submitter. Criteria: ACMG Guidelines, 2015. Collection method: clinical testing. Allele origin: germline.

PreventionGenetics, part of Exact Sciences
Classification: Likely benign for LAMA5-related condition. Last evaluated: 2019-04-19. Review status: no assertion criteria provided. Collection method: clinical testing. Allele origin: germline. Not counted in ClinVar's aggregate classification.
Comment: This variant is classified as likely benign based on ACMG/AMP sequence variant interpretation guidelines (Richards et al. 2015 PMID: 25741868, with internal and published modifications).